The following is an entry in ClinVar:

NM_022168.4(IFIH1):c.2438A>G (p.Glu813Gly)

Gene: IFIH1 (interferon induced with helicase C domain 1; minus strand). Cytogenetic location: 2q24.2.
Variant type: single nucleotide variant.
Coding change: c.2438A>G on transcript NM_022168.4 (MANE Select); coding-DNA position 2438, A replaced by G.
Protein change: p.Glu813Gly; replaces glutamic acid 813 with glycine.
Molecular consequence: missense variant.
Genome position (GRCh38, 1-based): chr2:162,273,811, T>C on the plus strand (A>G on the coding strand, the complement: IFIH1 is on the minus strand). VCF-style: chr2-162273811-T-C. GRCh37 (hg19) VCF-style: chr2-163130321-T-C.
Other names: short protein forms E813G.
Identifiers: ClinVar variation 4755840 (VCV004755840.1).

ClinVar aggregate classification (germline): Uncertain significance (1 of 4 stars; one submission).

Submission:

GeneDx
Classification: Uncertain significance. Last evaluated: 2025-08-04. Review status: criteria provided, single submitter. Criteria: GeneDx Variant Classification Process June 2021. Collection method: clinical testing. Allele origin: germline. Affected: yes.
Comment: Not observed at significant frequency in large population cohorts (gnomAD); In silico analysis supports that this missense variant has a deleterious effect on protein structure/function; Has not been previously published as pathogenic or benign to our knowledge